The following is an entry in ClinVar:

NM_001276345.2(TNNT2):c.295-1G>C

Gene: TNNT2 (troponin T2, cardiac type; minus strand). Cytogenetic location: 1q32.1.
Variant type: single nucleotide variant.
Coding change: c.295-1G>C on transcript NM_001276345.2 (MANE Select); the canonical splice acceptor site of the intron before coding-DNA position 295, G replaced by C.
Molecular consequence: splice acceptor variant. On other transcripts: intron variant (1).
Genome position (GRCh38, 1-based): chr1:201,365,308, C>G on the plus strand (G>C on the coding strand, the complement: TNNT2 is on the minus strand). VCF-style: chr1-201365308-C-G. GRCh37 (hg19) VCF-style: chr1-201334436-C-G.
Other names: c.265-1G>C (NM_001406727.1, NM_001406724.1, NM_001001431.3 and 3 more transcripts); c.250-1G>C (NM_001001432.3, NM_001406728.1); c.262-1G>C (NM_001406725.1); c.291+302G>C (NM_001276346.2); c.295-1G>C (NM_000364.4, NM_001406723.1).
Identifiers: ClinVar variation 1710375 (VCV001710375.5), dbSNP rs113876817, ClinGen allele CA344206624.

ClinVar aggregate classification (germline): Conflicting classifications of pathogenicity. Review status: criteria provided, conflicting classifications (1 of 4 stars). 2 submissions from 2 submitters: Likely pathogenic (1); Uncertain significance (1). Last evaluated 2022-08-24.

Conditions:
TNNT2-related disorder. Also called: TNNT2-related condition.
Cardiomyopathy (CMYO). Also called: Cardiomyopathies. Identifiers: Orphanet 167848, MedGen C0878544, MONDO:0004994, HP:0001638. Inheritance: Various modes of inheritance.

Allele frequency attached by ClinVar (database versions not stated): gnomAD 0.00001.
gnomAD v4.1: 2 of 1,613,328 alleles (0.00012%); highest among the groups gnomAD compares: Non-Finnish European, 0.00017%; no homozygotes.

Submissions (2):

Greenwood Genetic Center Diagnostic Laboratories, Greenwood Genetic Center
Classification: Likely pathogenic for TNNT2-related disorder. Last evaluated: 2022-08-24. Review status: criteria provided, single submitter. Criteria: ACMG Guidelines, 2015. Collection method: clinical testing. Allele origin: germline.
Comment: PP3_Strong, PM1, PM2

Color Diagnostics, LLC DBA Color Health
Classification: Uncertain significance for Cardiomyopathy. Last evaluated: 2022-05-16. Review status: criteria provided, single submitter. Criteria: ACMG Guidelines, 2015. Collection method: clinical testing. Allele origin: germline.
Comment: This variant alters the intron 8 canonical splice acceptor site of the TNNT2 gene. Splice prediction tools suggest that this variant may disrupt RNA splicing. To our knowledge, functional studies have not been reported for this variant. This variant has not been reported in individuals affected with cardiovascular disorders in the literature. This variant has not been identified in the general population by the Genome Aggregation Database (gnomAD). The role of loss-of-function TNNT2 truncation and splice variants in autosomal dominant cardiovascular disorders is not clearly established. The available evidence is insufficient to determine the role of this variant in disease conclusively. Therefore, this variant is classified as a Variant of Uncertain Significance.